The following is an entry in ClinVar:

ClinVar aggregate classification (germline): Uncertain significance (1 of 4 stars; one submission).

Conditions:
Charcot-Marie-Tooth disease axonal type 2C (HMSN2C). Also called: CHARCOT-MARIE-TOOTH DISEASE, AXONAL, AUTOSOMAL DOMINANT, TYPE 2C; Charcot-Marie-Tooth Neuropathy Type 2C; Charcot-Marie-Tooth Disease Type 2, TRPV4-Related (CMT2C). Identifiers: Orphanet 99937, MedGen C1853710, MONDO:0011633, OMIM 606071.

gnomAD v4.1: 1 of 1,614,254 alleles (0.000062%); highest among the groups gnomAD compares: Non-Finnish European, 0.000085%; no homozygotes.

Submission:

Labcorp Genetics (formerly Invitae), Labcorp
Classification: Uncertain significance for Charcot-Marie-Tooth disease axonal type 2C. Last evaluated: 2021-06-11. Review status: criteria provided, single submitter. Criteria: Invitae Variant Classification Sherloc (09022015). Collection method: clinical testing. Allele origin: germline.
Comment: This sequence change replaces serine with asparagine at codon 667 of the TRPV4 protein (p.Ser667Asn). The serine residue is highly conserved and there is a small physicochemical difference between serine and asparagine. In summary, the available evidence is currently insufficient to determine the role of this variant in disease. Therefore, it has been classified as a Variant of Uncertain Significance. Advanced modeling of protein sequence and biophysical properties (such as structural, functional, and spatial information, amino acid conservation, physicochemical variation, residue mobility, and thermodynamic stability) performed at Invitae indicates that this missense variant is not expected to disrupt TRPV4 protein function. This variant has not been reported in the literature in individuals with TRPV4-related conditions. This variant is not present in population databases (ExAC no frequency).

NM_021625.5(TRPV4):c.2000G>A (p.Ser667Asn)

Gene: TRPV4 (transient receptor potential cation channel subfamily V member 4; minus strand). Cytogenetic location: 12q24.11.
Variant type: single nucleotide variant.
Coding change: c.2000G>A on transcript NM_021625.5 (MANE Select); coding-DNA position 2000, G replaced by A.
Protein change: p.Ser667Asn; replaces serine 667 with asparagine.
Molecular consequence: missense variant.
Genome position (GRCh38, 1-based): chr12:109,788,608, C>T on the plus strand (G>A on the coding strand, the complement: TRPV4 is on the minus strand). VCF-style: chr12-109788608-C-T. GRCh37 (hg19) VCF-style: chr12-110226413-C-T.
Other names: c.1859G>A, p.Ser620Asn (NM_001177428.2); c.1898G>A, p.Ser633Asn (NM_001177431.2); c.1679G>A, p.Ser560Asn (NM_001177433.2); c.1820G>A, p.Ser607Asn (NM_147204.3); short protein forms S620N, S633N, S607N, S667N, S560N.
Identifiers: ClinVar variation 1372808 (VCV001372808.8), dbSNP rs756867557, ClinGen allele CA386650738.
Genomic context (GRCh38, chr12:109,788,608, plus strand): 5'-CTCAGCATCTCCAGGTCGCCCATGCCGATGGTCAGCTTAAACAGGTCCAGGAGGAAGGTG[C>T]TGAAGGTCTCGCTGTCACGGCACGAGGGGTAAGTGGGCACTGTGCAGTTGGTCTGGTCCT-3'
Protein context (NP_067638.3, residues 657-677): YPSCRDSETF[Ser667Asn]TFLLDLFKLT